The following is an entry in ClinVar:

NM_007325.5(GRIA3):c.2452G>T (p.Ala818Ser)

Gene: GRIA3 (glutamate ionotropic receptor AMPA type subunit 3; plus strand). Cytogenetic location: Xq25.
Variant type: single nucleotide variant.
Coding change: c.2452G>T on transcript NM_007325.5 (MANE Select); coding-DNA position 2452, G replaced by T.
Protein change: p.Ala818Ser; replaces alanine 818 with serine.
Molecular consequence: missense variant.
Genome position (GRCh38, 1-based): chrX:123,482,811, G>T. VCF-style: chrX-123482811-G-T. GRCh37 (hg19) VCF-style: chrX-122616662-G-T.
Other names: c.2452G>T, p.Ala818Ser (NM_000828.5); short protein forms A818S.
Identifiers: ClinVar variation 5008752 (VCV005008752.1).

ClinVar aggregate classification (germline): Uncertain significance (1 of 4 stars; one submission).

Submission:

GeneDx
Classification: Uncertain significance. Last evaluated: 2026-02-12. Review status: criteria provided, single submitter. Criteria: GeneDx Variant Classification Process June 2021. Collection method: clinical testing. Allele origin: germline.
Comment: Not observed at significant frequency in large population cohorts (gnomAD); In silico analysis supports that this missense variant has a deleterious effect on protein structure/function; Has not been previously published as pathogenic or benign to our knowledge